The following is an entry in ClinVar:

NM_005859.5(PURA):c.169G>C (p.Glu57Gln)

Gene: PURA (purine rich element binding protein A; plus strand). Cytogenetic location: 5q31.3.
Variant type: single nucleotide variant.
Coding change: c.169G>C on transcript NM_005859.5 (MANE Select); coding-DNA position 169, G replaced by C.
Protein change: p.Glu57Gln; replaces glutamic acid 57 with glutamine.
Molecular consequence: missense variant.
Genome position (GRCh38, 1-based): chr5:140,114,350, G>C. VCF-style: chr5-140114350-G-C. GRCh37 (hg19) VCF-style: chr5-139493935-G-C.
Other names: short protein forms E57Q.
Identifiers: ClinVar variation 1302466 (VCV001302466.3), dbSNP rs2126748783, ClinGen allele CA361489778.

ClinVar aggregate classification (germline): Uncertain significance (1 of 4 stars; one submission).

Submission:

GeneDx
Classification: Uncertain significance. Last evaluated: 2024-05-28. Review status: criteria provided, single submitter. Criteria: GeneDx Variant Classification Process June 2021. Collection method: clinical testing. Allele origin: germline. Affected: yes.
Comment: Not observed at significant frequency in large population cohorts (gnomAD); In silico analysis indicates that this missense variant does not alter protein structure/function; Has not been previously published as pathogenic or benign to our knowledge